The following is an entry in ClinVar:

ClinVar aggregate classification (germline): Uncertain significance (1 of 4 stars; one submission).

gnomAD v4.1: 55 of 1,611,798 alleles (0.0034%); highest among the groups gnomAD compares: South Asian, 0.037%; no homozygotes.

Submission:

Labcorp Genetics (formerly Invitae), Labcorp
Classification: Uncertain significance. Last evaluated: 2025-01-20. Review status: criteria provided, single submitter. Criteria: Invitae Variant Classification Sherloc (09022015). Collection method: clinical testing. Allele origin: germline.
Comment: This sequence change replaces arginine, which is basic and polar, with histidine, which is basic and polar, at codon 31 of the NDUFAF1 protein (p.Arg31His). This variant is present in population databases (rs3204853, gnomAD 0.03%). This variant has not been reported in the literature in individuals affected with NDUFAF1-related conditions. Invitae Evidence Modeling of protein sequence and biophysical properties (such as structural, functional, and spatial information, amino acid conservation, physicochemical variation, residue mobility, and thermodynamic stability) indicates that this missense variant is not expected to disrupt NDUFAF1 protein function with a negative predictive value of 80%. In summary, the available evidence is currently insufficient to determine the role of this variant in disease. Therefore, it has been classified as a Variant of Uncertain Significance.

NM_016013.4(NDUFAF1):c.92G>A (p.Arg31His)

Gene: NDUFAF1 (NADH:ubiquinone oxidoreductase complex assembly factor 1; minus strand). Cytogenetic location: 15q15.1.
Variant type: single nucleotide variant.
Coding change: c.92G>A on transcript NM_016013.4 (MANE Select); coding-DNA position 92, G replaced by A.
Protein change: p.Arg31His; replaces arginine 31 with histidine.
Molecular consequence: missense variant. On other transcripts: non-coding transcript variant (1).
Genome position (GRCh38, 1-based): chr15:41,396,968, C>T on the plus strand (G>A on the coding strand, the complement: NDUFAF1 is on the minus strand). VCF-style: chr15-41396968-C-T. GRCh37 (hg19) VCF-style: chr15-41689166-C-T.
Other names: short protein forms R31H.
Identifiers: ClinVar variation 3708044 (VCV003708044.2).